The following is an entry in ClinVar:

NM_007194.4(CHEK2):c.472G>T (p.Ala158Ser)

Gene: CHEK2 (checkpoint kinase 2; minus strand). Cytogenetic location: 22q12.1.
Variant type: single nucleotide variant.
Coding change: c.472G>T on transcript NM_007194.4 (MANE Select); coding-DNA position 472, G replaced by T.
Protein change: p.Ala158Ser; replaces alanine 158 with serine.
Molecular consequence: missense variant. On other transcripts: 5 prime UTR variant (2), intron variant (1).
Genome position (GRCh38, 1-based): chr22:28,725,097, C>A on the plus strand (G>T on the coding strand, the complement: CHEK2 is on the minus strand). VCF-style: chr22-28725097-C-A. GRCh37 (hg19) VCF-style: chr22-29121085-C-A.
Other names: c.601G>T, p.Ala201Ser (NM_001005735.3, NM_001438294.1); c.-306G>T (NM_001257387.3); c.-192G>T (NM_001437942.1); c.565G>T, p.Ala189Ser (NM_001438293.1, NM_001438295.1); c.472G>T, p.Ala158Ser (NM_145862.3); c.444+146G>T (NM_001349956.3); short protein forms A158S, A201S, A189S.
Identifiers: ClinVar variation 2586654 (VCV002586654.4), dbSNP rs755934632, ClinGen allele CA411107645.

ClinVar aggregate classification (germline): Uncertain significance. Review status: criteria provided, multiple submitters, no conflicts (2 of 4 stars). 2 submissions from 2 submitters: Uncertain significance (2). Last evaluated 2024-12-26.

Conditions:
Hereditary cancer-predisposing syndrome. Also called: Hereditary neoplastic syndrome; Tumor predisposition; Hereditary Cancer Syndrome; Neoplastic Syndromes, Hereditary. Identifiers: Orphanet 140162, MedGen C0027672, MeSH D009386, MONDO:0015356.
Familial cancer of breast. Also called: BREAST CANCER, FAMILIAL; hereditary breast carcinoma; Hereditary breast cancer. Identifiers: Orphanet 227535, MedGen C0346153, MONDO:0016419, OMIM 114480. Disease mechanism: loss of function.

Submissions (2):

Labcorp Genetics (formerly Invitae), Labcorp
Classification: Uncertain significance for Familial cancer of breast. Last evaluated: 2024-12-26. Review status: criteria provided, single submitter. Criteria: Invitae Variant Classification Sherloc (09022015). Collection method: clinical testing. Allele origin: germline.
Comment: This sequence change replaces alanine, which is neutral and non-polar, with serine, which is neutral and polar, at codon 158 of the CHEK2 protein (p.Ala158Ser). This variant is not present in population databases (gnomAD no frequency). This variant has not been reported in the literature in individuals affected with CHEK2-related conditions. ClinVar contains an entry for this variant (Variation ID: 2586654). An algorithm developed to predict the effect of missense changes on protein structure and function (PolyPhen-2) suggests that this variant is likely to be tolerated. In summary, the available evidence is currently insufficient to determine the role of this variant in disease. Therefore, it has been classified as a Variant of Uncertain Significance.

Ambry Genetics
Classification: Uncertain significance for Hereditary cancer-predisposing syndrome. Last evaluated: 2023-08-02. Review status: criteria provided, single submitter. Criteria: Ambry Variant Classification Scheme 2023. Collection method: clinical testing. Allele origin: germline.
Comment: The p.A158S variant (also known as c.472G>T), located in coding exon 3 of the CHEK2 gene, results from a G to T substitution at nucleotide position 472. The alanine at codon 158 is replaced by serine, an amino acid with similar properties. This amino acid position is conserved. In addition, the in silico prediction for this alteration is inconclusive. Since supporting evidence is limited at this time, the clinical significance of this alteration remains unclear.